The following is an entry in ClinVar:

ClinVar aggregate classification (germline): Uncertain significance (1 of 4 stars; one submission).

Allele frequency attached by ClinVar (database versions not stated): gnomAD 0.00001; TOPMed 0.00002.
gnomAD v4.1: 15 of 1,610,140 alleles (0.00093%); highest among the groups gnomAD compares: Admixed American, 0.0034%; no homozygotes.

Submission:

Labcorp Genetics (formerly Invitae), Labcorp
Classification: Uncertain significance. Last evaluated: 2022-03-26. Review status: criteria provided, single submitter. Criteria: Invitae Variant Classification Sherloc (09022015). Collection method: clinical testing. Allele origin: germline.
Comment: In summary, the available evidence is currently insufficient to determine the role of this variant in disease. Therefore, it has been classified as a Variant of Uncertain Significance. Algorithms developed to predict the effect of missense changes on protein structure and function (SIFT, PolyPhen-2, Align-GVGD) all suggest that this variant is likely to be disruptive. This variant has not been reported in the literature in individuals affected with LIPG-related conditions. This variant is present in population databases (rs769490055, gnomAD 0.007%). This sequence change replaces arginine, which is basic and polar, with tryptophan, which is neutral and slightly polar, at codon 458 of the LIPG protein (p.Arg458Trp).

NM_006033.4(LIPG):c.1372C>T (p.Arg458Trp)

Gene: LIPG (lipase G, endothelial type; plus strand). Cytogenetic location: 18q21.1.
Variant type: single nucleotide variant.
Coding change: c.1372C>T on transcript NM_006033.4 (MANE Select); coding-DNA position 1372, C replaced by T.
Protein change: p.Arg458Trp; replaces arginine 458 with tryptophan.
Molecular consequence: missense variant.
Genome position (GRCh38, 1-based): chr18:49,583,770, C>T. VCF-style: chr18-49583770-C-T. GRCh37 (hg19) VCF-style: chr18-47110140-C-T.
Other names: c.1150C>T, p.Arg384Trp (NM_001308006.2); short protein forms R384W, R458W.
Identifiers: ClinVar variation 1352709 (VCV001352709.6), dbSNP rs769490055, ClinGen allele CA8959368.